The following is an entry in ClinVar:

NM_015512.5(DNAH1):c.2546G>A (p.Ser849Asn)

Gene: DNAH1 (dynein axonemal heavy chain 1; plus strand). Cytogenetic location: 3p21.1.
Variant type: single nucleotide variant.
Coding change: c.2546G>A on transcript NM_015512.5 (MANE Select); coding-DNA position 2546, G replaced by A.
Protein change: p.Ser849Asn; replaces serine 849 with asparagine.
Molecular consequence: missense variant.
Genome position (GRCh38, 1-based): chr3:52,350,008, G>A. VCF-style: chr3-52350008-G-A. GRCh37 (hg19) VCF-style: chr3-52384024-G-A.
Other names: short protein forms S849N.
Identifiers: ClinVar variation 949184 (VCV000949184.8), dbSNP rs1421170448, ClinGen allele CA353103650.

ClinVar aggregate classification (germline): Uncertain significance. Review status: criteria provided, multiple submitters, no conflicts (2 of 4 stars). 2 submissions from 2 submitters: Uncertain significance (2). Last evaluated 2024-11-12.

Conditions:
Spermatogenic failure 18. Identifiers: MedGen C4539783, MONDO:0054615, OMIM 617576.
Ciliary dyskinesia, primary, 37 (CILD37). Also called: CILIARY DYSKINESIA, PRIMARY, 37, WITH OR WITHOUT SITUS INVERSUS. Identifiers: MedGen C4539798, MONDO:0033204, OMIM 617577.

Allele frequency attached by ClinVar (database versions not stated): gnomAD exomes below 0.00001; TOPMed 0.00002.
gnomAD v4.1: 1 of 1,611,458 alleles (0.000062%); highest among the groups gnomAD compares: African/African-American, 0.0013%; no homozygotes.

Submissions (2):

GeneDx
Classification: Uncertain significance. Last evaluated: 2024-11-12. Review status: criteria provided, single submitter. Criteria: GeneDx Variant Classification Process June 2021. Collection method: clinical testing. Allele origin: germline. Affected: yes.
Comment: Not observed at significant frequency in large population cohorts (gnomAD); In silico analysis indicates that this missense variant does not alter protein structure/function; Has not been previously published as pathogenic or benign to our knowledge

Labcorp Genetics (formerly Invitae), Labcorp
Classification: Uncertain significance for Ciliary dyskinesia, primary, 37; Spermatogenic failure 18. Last evaluated: 2019-06-28. Review status: criteria provided, single submitter. Criteria: Invitae Variant Classification Sherloc (09022015). Collection method: clinical testing. Allele origin: germline.
Comment: In summary, the available evidence is currently insufficient to determine the role of this variant in disease. Therefore, it has been classified as a Variant of Uncertain Significance. Algorithms developed to predict the effect of missense changes on protein structure and function (SIFT, PolyPhen-2, Align-GVGD) all suggest that this variant is likely to be tolerated, but these predictions have not been confirmed by published functional studies and their clinical significance is uncertain. This variant has not been reported in the literature in individuals with DNAH1-related conditions. This variant is not present in population databases (ExAC no frequency). This sequence change replaces serine with asparagine at codon 849 of the DNAH1 protein (p.Ser849Asn). The serine residue is moderately conserved and there is a small physicochemical difference between serine and asparagine.